The following is an entry in ClinVar:

NM_001378452.1(ITPR1):c.6448G>A (p.Gly2150Ser)

Gene: ITPR1 (inositol 1,4,5-trisphosphate receptor type 1; plus strand). Cytogenetic location: 3p26.1.
Variant type: single nucleotide variant.
Coding change: c.6448G>A on transcript NM_001378452.1 (MANE Select); coding-DNA position 6448, G replaced by A.
Protein change: p.Gly2150Ser; replaces glycine 2150 with serine.
Molecular consequence: missense variant.
Genome position (GRCh38, 1-based): chr3:4,782,679, G>A. VCF-style: chr3-4782679-G-A. GRCh37 (hg19) VCF-style: chr3-4824363-G-A.
Other names: c.6304G>A, p.Gly2102Ser (NM_001099952.4); c.6403G>A, p.Gly2135Ser (NM_001168272.2); c.6259G>A, p.Gly2087Ser (NM_002222.7); short protein forms G2087S, G2135S, G2150S, G2102S.
Identifiers: ClinVar variation 1412974 (VCV001412974.30), dbSNP rs199890939, ClinGen allele CA2232599.

ClinVar aggregate classification (germline): Uncertain significance. Review status: criteria provided, multiple submitters, no conflicts (2 of 4 stars). 7 submissions from 7 submitters: Uncertain significance (6). 1 of the submissions does not count toward it. Last evaluated 2025-12-19.

Conditions:
ITPR1-related disorder. Also called: ITPR1-related condition.
Inborn genetic diseases. Identifiers: MedGen C0950123, MeSH D030342.

Allele frequency attached by ClinVar (database versions not stated): gnomAD exomes 0.00003 and 0.00006; ExAC 0.00004; gnomAD 0.00004; TOPMed 0.00005; ESP Exome Variant Server 0.00008.
gnomAD v4.1: 94 of 1,603,954 alleles (0.0059%); highest among the groups gnomAD compares: Non-Finnish European, 0.0068%; no homozygotes.

Submissions (7):

Labcorp Genetics (formerly Invitae), Labcorp
Classification: Uncertain significance. Last evaluated: 2025-12-19. Review status: criteria provided, single submitter. Criteria: Invitae Variant Classification Sherloc (09022015). Collection method: clinical testing. Allele origin: germline.
Comment: This sequence change replaces glycine, which is neutral and non-polar, with serine, which is neutral and polar, at codon 2087 of the ITPR1 protein (p.Gly2087Ser). This variant is present in population databases (rs199890939, gnomAD 0.01%). This variant has not been reported in the literature in individuals affected with ITPR1-related conditions. ClinVar contains an entry for this variant (Variation ID: 1412974). Invitae Evidence Modeling of protein sequence and biophysical properties (such as structural, functional, and spatial information, amino acid conservation, physicochemical variation, residue mobility, and thermodynamic stability) indicates that this missense variant is not expected to disrupt ITPR1 protein function with a negative predictive value of 95%. In summary, the available evidence is currently insufficient to determine the role of this variant in disease. Therefore, it has been classified as a Variant of Uncertain Significance.

CeGaT Center for Human Genetics Tuebingen
Classification: Uncertain significance. Last evaluated: 2024-05-01. Review status: criteria provided, single submitter. Criteria: CeGaT Center For Human Genetics Tuebingen Variant Classification Criteria Version 2. Collection method: clinical testing. Allele origin: germline. Affected: yes. Observed: 1 variant allele.

Ambry Genetics
Classification: Uncertain significance for Inborn genetic diseases. Last evaluated: 2023-09-13. Review status: criteria provided, single submitter. Criteria: Ambry Variant Classification Scheme 2023. Collection method: clinical testing. Allele origin: germline.

Blueprint Genetics
Classification: Uncertain significance. Last evaluated: 2022-12-21. Review status: criteria provided, single submitter. Criteria: ACMG Guidelines, 2015. Collection method: clinical testing. Allele origin: germline.

Athena Diagnostics
Classification: Uncertain significance. Last evaluated: 2022-05-13. Review status: criteria provided, single submitter. Criteria: Athena Diagnostics Criteria. Collection method: clinical testing. Allele origin: unknown.

GeneDx
Classification: Uncertain significance. Last evaluated: 2022-01-26. Review status: criteria provided, single submitter. Criteria: GeneDx Variant Classification Process June 2021. Collection method: clinical testing. Allele origin: germline. Affected: yes.
Comment: In silico analysis supports that this missense variant does not alter protein structure/function; Has not been previously published as pathogenic or benign to our knowledge

PreventionGenetics, part of Exact Sciences
Classification: Uncertain significance for ITPR1-related condition. Last evaluated: 2024-06-20. Review status: no assertion criteria provided. Collection method: clinical testing. Allele origin: germline. Not counted in ClinVar's aggregate classification.
Comment: The ITPR1 c.6259G>A variant is predicted to result in the amino acid substitution p.Gly2087Ser. To our knowledge, this variant has not been reported in the literature. This variant is reported in 0.0084% of alleles in individuals of African descent in gnomAD. At this time, the clinical significance of this variant is uncertain due to the absence of conclusive functional and genetic evidence.